The following is an entry in ClinVar:

NM_138395.4(MARS2):c.854A>T (p.Asn285Ile)

Gene: MARS2 (methionyl-tRNA synthetase 2, mitochondrial; plus strand). Cytogenetic location: 2q33.1.
Variant type: single nucleotide variant.
Coding change: c.854A>T on transcript NM_138395.4 (MANE Select); coding-DNA position 854, A replaced by T.
Protein change: p.Asn285Ile; replaces asparagine 285 with isoleucine.
Molecular consequence: missense variant.
Genome position (GRCh38, 1-based): chr2:197,706,259, A>T. VCF-style: chr2-197706259-A-T. GRCh37 (hg19) VCF-style: chr2-198570983-A-T.
Other names: short protein forms N285I.
Identifiers: ClinVar variation 2700190 (VCV002700190.3), dbSNP rs143650096, ClinGen allele CA350213231.
Genomic context (GRCh38, chr2:197,706,259, plus strand): 5'-GCATTCCGGTGCCCGGGGATGATTCGCAGACCATCTATGTATGGCTGGATGCCCTGGTCA[A>T]CTACCTCACTGTAATTGGCTACCCAAATGCTGAGTTCAAATCTTGGTGGCCGGCCACCTC-3'
Protein context (NP_612404.1, residues 275-295): TIYVWLDALV[Asn285Ile]YLTVIGYPNA

ClinVar aggregate classification (germline): Uncertain significance (1 of 4 stars; one submission).

Submission:

Labcorp Genetics (formerly Invitae), Labcorp
Classification: Uncertain significance. Last evaluated: 2025-10-02. Review status: criteria provided, single submitter. Criteria: Invitae Variant Classification Sherloc (09022015). Collection method: clinical testing. Allele origin: germline.
Comment: This sequence change replaces asparagine, which is neutral and polar, with isoleucine, which is neutral and non-polar, at codon 285 of the MARS2 protein (p.Asn285Ile). This variant is not present in population databases (gnomAD no frequency). This variant has not been reported in the literature in individuals affected with MARS2-related conditions. ClinVar contains an entry for this variant (Variation ID: 2700190). Invitae Evidence Modeling of protein sequence and biophysical properties (such as structural, functional, and spatial information, amino acid conservation, physicochemical variation, residue mobility, and thermodynamic stability) indicates that this missense variant is not expected to disrupt MARS2 protein function with a negative predictive value of 80%. In summary, the available evidence is currently insufficient to determine the role of this variant in disease. Therefore, it has been classified as a Variant of Uncertain Significance.